The following is an entry in ClinVar:

ClinVar aggregate classification (germline): Uncertain significance (1 of 4 stars; one submission).

Conditions:
Epidermolysis bullosa simplex 3, localized or generalized intermediate, with BP230 deficiency (EBS3). Also called: Epidermolysis bullosa simplex due to BP230 deficiency; Epidermolysis bullosa simplex, autosomal recessive 2. Identifiers: Orphanet 412181, MedGen C3809470, MONDO:0014180, OMIM 615425.
Hereditary sensory and autonomic neuropathy type 6. Also called: Neuropathy, hereditary sensory and autonomic, type VI; HSAN VI. Identifiers: Orphanet 314381, MedGen C3539003, MONDO:0013839, OMIM 614653.

Allele frequency attached by ClinVar (database versions not stated): gnomAD exomes below 0.00001 and 0.00001; ExAC 0.00001; gnomAD 0.00001; TOPMed 0.00001; 1000 Genomes Project 0.00020; 1000 Genomes Project 30x 0.00031.
gnomAD v4.1: 4 of 1,613,642 alleles (0.00025%); highest among the groups gnomAD compares: Admixed American, 0.0067%; no homozygotes.

Submission:

Labcorp Genetics (formerly Invitae), Labcorp
Classification: Uncertain significance for Epidermolysis bullosa simplex 3, localized or generalized intermediate, with BP230 deficiency; Hereditary sensory and autonomic neuropathy type 6. Last evaluated: 2022-12-06. Review status: criteria provided, single submitter. Criteria: Invitae Variant Classification Sherloc (09022015). Collection method: clinical testing. Allele origin: germline.
Comment: In summary, the available evidence is currently insufficient to determine the role of this variant in disease. Therefore, it has been classified as a Variant of Uncertain Significance. Algorithms developed to predict the effect of missense changes on protein structure and function are either unavailable or do not agree on the potential impact of this missense change (SIFT: "Tolerated"; PolyPhen-2: "Possibly Damaging"; Align-GVGD: "Class C0"). ClinVar contains an entry for this variant (Variation ID: 952014). This variant has not been reported in the literature in individuals affected with DST-related conditions. This variant is present in population databases (rs575651723, gnomAD 0.006%). This sequence change replaces glutamine, which is neutral and polar, with arginine, which is basic and polar, at codon 469 of the DST protein (p.Gln469Arg).

NM_001374736.1(DST):c.3017A>G (p.Gln1006Arg)

Gene: DST (dystonin; minus strand). Cytogenetic location: 6p12.1.
Variant type: single nucleotide variant.
Coding change: c.3017A>G on transcript NM_001374736.1 (MANE Select); coding-DNA position 3017, A replaced by G.
Protein change: p.Gln1006Arg; replaces glutamine 1006 with arginine.
Molecular consequence: missense variant.
Genome position (GRCh38, 1-based): chr6:56,636,600, T>C on the plus strand (A>G on the coding strand, the complement: DST is on the minus strand). VCF-style: chr6-56636600-T-C. GRCh37 (hg19) VCF-style: chr6-56501398-T-C.
Other names: c.2918A>G, p.Gln973Arg (NM_001144769.5); c.2504A>G, p.Gln835Arg (NM_001144770.2); c.3017A>G, p.Gln1006Arg (NM_001374722.1); c.2384A>G, p.Gln795Arg (NM_001374729.1, NM_001374730.1, NM_001386100.1 and 1 more transcripts); c.3044A>G, p.Gln1015Arg (NM_001374734.1); c.1406A>G, p.Gln469Arg (NM_001723.7, NM_015548.5); short protein forms Q1015R, Q1006R, Q469R, Q795R, Q835R, Q973R.
Identifiers: ClinVar variation 952014 (VCV000952014.8), dbSNP rs575651723, ClinGen allele CA3871255.